The following is an entry in ClinVar:

ClinVar aggregate classification (germline): Likely benign. Review status: criteria provided, multiple submitters, no conflicts (2 of 4 stars). 2 submissions from 2 submitters: Likely benign (2). Last evaluated 2023-11-14.

Conditions:
Nemaline myopathy 2 (NEM2). Also called: Nemaline myopathy 2, autosomal recessive. Identifiers: MedGen C1850569, MONDO:0009725, OMIM 256030.

Allele frequency attached by ClinVar (database versions not stated): ExAC 0.00001; gnomAD exomes 0.00001; TOPMed 0.00002; gnomAD 0.00003 and 0.00004.
gnomAD v4.1: 13 of 1,570,612 alleles (0.00083%); highest among the groups gnomAD compares: Non-Finnish European, 0.0011%; no homozygotes.

Submissions (2):

Labcorp Genetics (formerly Invitae), Labcorp
Classification: Likely benign for Nemaline myopathy 2. Last evaluated: 2023-11-14. Review status: criteria provided, single submitter. Criteria: Invitae Variant Classification Sherloc (09022015). Collection method: clinical testing. Allele origin: germline.

CeGaT Center for Human Genetics Tuebingen
Classification: Likely benign. Last evaluated: 2022-07-01. Review status: criteria provided, single submitter. Criteria: CeGaT Center For Human Genetics Tuebingen Variant Classification Criteria Version 2. Collection method: clinical testing. Allele origin: germline. Affected: yes. Observed: 1 variant allele.
Comment: NEB: BP4, BP7

NM_001164508.2(NEB):c.22591-6A>G

Genes: NEB (nebulin; minus strand), RIF1 (replication timing regulatory factor 1; plus strand). Cytogenetic location: 2q23.3.
Variant type: single nucleotide variant.
Coding change: c.22591-6A>G on transcript NM_001164508.2 (MANE Select); 6 bases into the intron before coding-DNA position 22591, A replaced by G.
Molecular consequence: intron variant.
Genome position (GRCh38, 1-based): chr2:151,519,075, T>C on the plus strand (A>G on the coding strand, the complement: NEB is on the minus strand). VCF-style: chr2-151519075-T-C. GRCh37 (hg19) VCF-style: chr2-152375589-T-C.
Other names: c.17488-6A>G (NM_004543.5); c.22591-6A>G (NM_001164507.2); c.22696-6A>G (NM_001271208.2).
Identifiers: ClinVar variation 1621105 (VCV001621105.32), dbSNP rs758209784, ClinGen allele CA1906591.
Genomic context (GRCh38, chr2:151,519,075, plus strand): 5'-CCTTCATGTCAGTCACGGGTTTGTGAAGTTTCTTCAGGTCAGCCTTGTATTTAACCTGTG[T>C]GTTATGGGGGAAGAAAGGAAATCACGTAAATAGGAAATGGAACAGCACTAATGGAAATCA-3'